The following is an entry in ClinVar:

NM_004444.5(EPHB4):c.2273A>G (p.Asp758Gly)

Gene: EPHB4 (EPH receptor B4; minus strand). Cytogenetic location: 7q22.1.
Variant type: single nucleotide variant.
Coding change: c.2273A>G on transcript NM_004444.5 (MANE Select); coding-DNA position 2273, A replaced by G.
Protein change: p.Asp758Gly; replaces aspartic acid 758 with glycine.
Molecular consequence: missense variant.
Genome position (GRCh38, 1-based): chr7:100,807,426, T>C on the plus strand (A>G on the coding strand, the complement: EPHB4 is on the minus strand). VCF-style: chr7-100807426-T-C. GRCh37 (hg19) VCF-style: chr7-100405048-T-C.
Other names: short protein forms D758G.
Identifiers: ClinVar variation 3377140 (VCV003377140.1).

ClinVar aggregate classification (germline): Likely pathogenic (1 of 4 stars; one submission).

Conditions:
Lymphatic malformation 7 (LMPHM7). Also called: Hydrops fetalis, nonimmune, and/or atrial septal defect, susceptibility to. Identifiers: MedGen C4310629, MONDO:0015009, OMIM 617300.

Submission:

Victorian Clinical Genetics Services, Murdoch Childrens Research Institute
Classification: Likely pathogenic for Lymphatic malformation 7. Last evaluated: 2024-10-09. Review status: criteria provided, single submitter. Criteria: ACMG Guidelines, 2015. Collection method: clinical testing. Allele origin: germline. Inheritance: Autosomal dominant inheritance. Affected: yes.
Comment: Based on the classification scheme VCGS_Germline_v1.3.5, this variant is classified as Likely pathogenic. Following criteria are met: 0102 - Loss of function is a known mechanism of disease in this gene and is associated with capillary malformation-arteriovenous malformation 2 (MIM#618196) and lymphatic malformation 7 (MIM#617300). (I) 0107 - This gene is associated with autosomal dominant disease. (I) 0115 - Variants in this gene are known to have variable expressivity. There is intrafamilial variability reported (PMID: 29905864, 27400125, 30578106). (I) 0200 - Variant is predicted to result in a missense amino acid change from aspartic acid to glycine. (I) 0251 - This variant is heterozygous. (I) 0301 - Variant is absent from gnomAD (v2, v3 and v4). (SP) 0501 - Missense variant consistently predicted to be damaging by multiple in silico tools or highly conserved with a major amino acid change. (SP) 0600 - Variant is located in the annotated protein tyrosine and serine/threonine kinase domain (DECIPHER). (I) 0705 - No comparable missense variants have previous evidence for pathogenicity. (I) 0807 - This variant has no previous evidence of pathogenicity. (I) 0905 - No published segregation evidence has been identified for this variant. (I) 1007 - No published functional evidence has been identified for this variant. (SP) Legend: (SP) - Supporting pathogenic, (I) - Information, (SB) - Supporting benign

Literature cited by the submitters: PubMed 27400125; PubMed 29905864; PubMed 30578106.